The following is an entry in ClinVar:

ClinVar aggregate classification (germline): Conflicting classifications of pathogenicity. Review status: criteria provided, conflicting classifications (1 of 4 stars). 4 submissions from 4 submitters: Uncertain significance (1); Likely benign (3). Last evaluated 2024-08-15.

Conditions:
Hereditary breast ovarian cancer syndrome. Also called: BRCA1- and BRCA2-Associated Hereditary Breast and Ovarian Cancer; Hereditary breast and ovarian cancer syndrome; Hereditary breast and/or ovarian cancer syndrome; Hereditary breast and ovarian cancer; Hereditary breast and ovarian cancer syndrome (HBOC); Breast and ovarian cancer. Identifiers: Orphanet 145, MedGen C0677776, MeSH D061325, MONDO:0003582. Disease mechanism: loss of function.
Hereditary cancer-predisposing syndrome. Also called: Tumor predisposition; Neoplastic Syndromes, Hereditary; Hereditary Cancer Syndrome; Hereditary neoplastic syndrome. Identifiers: Orphanet 140162, MedGen C0027672, MeSH D009386, MONDO:0015356.

Submissions (4):

Ambry Genetics
Classification: Likely benign for Hereditary cancer-predisposing syndrome. Last evaluated: 2024-08-15. Review status: criteria provided, single submitter. Criteria: Ambry Variant Classification Scheme 2023. Collection method: clinical testing. Allele origin: germline.

Labcorp Genetics (formerly Invitae), Labcorp
Classification: Likely benign for Hereditary breast ovarian cancer syndrome. Last evaluated: 2024-03-06. Review status: criteria provided, single submitter. Criteria: Invitae Variant Classification Sherloc (09022015). Collection method: clinical testing. Allele origin: germline.

University of Washington Department of Laboratory Medicine, University of Washington
Classification: Likely benign for Hereditary cancer-predisposing syndrome. Last evaluated: 2023-03-23. Review status: criteria provided, single submitter. Criteria: Dines et al. (Genet Med. 2020). Collection method: curation. Allele origin: germline.
Comment: Missense variant in a coldspot region where missense variants are very unlikely to be pathogenic (PMID:31911673).

BRCA1 coldspot (exon 11 using historical exon numbering). Reclassification based on statistical prior probability

Quest Diagnostics Nichols Institute San Juan Capistrano
Classification: Uncertain significance. Last evaluated: 2019-02-12. Review status: criteria provided, single submitter. Criteria: Quest Diagnostics criteria. Collection method: clinical testing. Allele origin: germline.

Literature cited by the submitters: PubMed 30325992 (cited by Quest Diagnostics Nichols Institute San Juan Capistrano).

NM_007294.4(BRCA1):c.2936G>T (p.Arg979Leu)

Gene: BRCA1 (BRCA1 DNA repair associated; minus strand). Cytogenetic location: 17q21.31.
Variant type: single nucleotide variant.
Coding change: c.2936G>T on transcript NM_007294.4 (MANE Select); coding-DNA position 2936, G replaced by T.
Protein change: p.Arg979Leu; replaces arginine 979 with leucine.
Molecular consequence: missense variant. On other transcripts: intron variant (137).
Genome position (GRCh38, 1-based): chr17:43,092,595, C>A on the plus strand (G>T on the coding strand, the complement: BRCA1 is on the minus strand). VCF-style: chr17-43092595-C-A. GRCh37 (hg19) VCF-style: chr17-41244612-C-A.
Other names: c.2672G>T, p.Arg891Leu (NM_001407925.1, NM_001407926.1, NM_001407927.1 and 9 more transcripts); c.2669G>T, p.Arg890Leu (NM_001407930.1, NM_001407931.1, NM_001407932.1 and 2 more transcripts); c.785-1563G>T (NM_001407991.1, NM_001408407.1, NM_001408402.1 and 13 more transcripts); c.665-1563G>T (NM_001408427.1, NM_001408443.1, NM_001408439.1 and 12 more transcripts); c.524-1563G>T (NM_001408496.1, NM_001408499.1, NM_001408498.1 and 3 more transcripts); c.647-1563G>T (NM_001408460.1, NM_001408454.1, NM_001408456.1 and 11 more transcripts); c.707-1563G>T (NM_001408413.1, NM_001408416.1); c.587-1563G>T (NM_001408476.1, NM_001408474.1); and 41 more; short protein forms R932L, R979L, R908L, R909L, R912L, R937L, R852L, R867L.
Identifiers: ClinVar variation 801068 (VCV000801068.10), dbSNP rs80356985, ClinGen allele CA10596124.